The following is an entry in ClinVar:

ClinVar aggregate classification (germline): Uncertain significance. Review status: criteria provided, multiple submitters, no conflicts (2 of 4 stars). 3 submissions from 3 submitters: Uncertain significance (3). Last evaluated 2025-06-22.

Conditions:
Inborn genetic diseases. Identifiers: MedGen C0950123, MeSH D030342.
Retinitis pigmentosa 80 (RP80). Identifiers: MedGen C4540439, MONDO:0054708, OMIM 617781.
Saldino-Mainzer syndrome (SRTD9). Also called: CONORENAL SYNDROME; Renal dysplasia, retinal pigmentary dystrophy, cerebellar ataxia and skeletal dysplasia; SHORT-RIB THORACIC DYSPLASIA 9 WITHOUT POLYDACTYLY; short-rib thoracic dysplasia 9 with or without polydactyly. Identifiers: Orphanet 140969, MedGen C1849437, MONDO:0009964, OMIM 266920.

Allele frequency attached by ClinVar (database versions not stated): gnomAD exomes below 0.00001 and 0.00002; gnomAD 0.00001; TOPMed 0.00002.
gnomAD v4.1: 33 of 1,590,652 alleles (0.0021%); highest among the groups gnomAD compares: Non-Finnish European, 0.0026%; no homozygotes.

Submissions (3):

Ambry Genetics
Classification: Uncertain significance for Inborn genetic diseases. Last evaluated: 2025-06-22. Review status: criteria provided, single submitter. Criteria: Ambry Variant Classification Scheme 2023. Collection method: clinical testing. Allele origin: germline.

Fulgent Genetics
Classification: Uncertain significance for Saldino-Mainzer syndrome; Retinitis pigmentosa 80. Last evaluated: 2024-01-29. Review status: criteria provided, single submitter. Criteria: ACMG Guidelines, 2015. Collection method: clinical testing. Allele origin: germline.

GeneDx
Classification: Uncertain significance. Last evaluated: 2019-07-12. Review status: criteria provided, single submitter. Criteria: GeneDx Variant Classification Process June 2021. Collection method: clinical testing. Allele origin: germline. Affected: yes.
Comment: Not observed at a significant frequency in large population cohorts (Lek et al., 2016); In silico analysis, which includes protein predictors and evolutionary conservation, supports a deleterious effect; Has not been previously published as pathogenic or benign to our knowledge

NM_014714.4(IFT140):c.2683C>T (p.His895Tyr)

Gene: IFT140 (intraflagellar transport 140; minus strand). Cytogenetic location: 16p13.3.
Variant type: single nucleotide variant.
Coding change: c.2683C>T on transcript NM_014714.4 (MANE Select); coding-DNA position 2683, C replaced by T.
Protein change: p.His895Tyr; replaces histidine 895 with tyrosine.
Molecular consequence: missense variant.
Genome position (GRCh38, 1-based): chr16:1,525,972, G>A on the plus strand (C>T on the coding strand, the complement: IFT140 is on the minus strand). VCF-style: chr16-1525972-G-A. GRCh37 (hg19) VCF-style: chr16-1575973-G-A.
Other names: short protein forms H895Y.
Identifiers: ClinVar variation 1204584 (VCV001204584.7), dbSNP rs934460322, ClinGen allele CA276680451.